The following is an entry in ClinVar:

NM_001184880.2(PCDH19):c.617T>A (p.Phe206Tyr)

Gene: PCDH19 (protocadherin 19; minus strand). Cytogenetic location: Xq22.1.
Variant type: single nucleotide variant.
Coding change: c.617T>A on transcript NM_001184880.2 (MANE Select); coding-DNA position 617, T replaced by A.
Protein change: p.Phe206Tyr; replaces phenylalanine 206 with tyrosine.
Molecular consequence: missense variant.
Genome position (GRCh38, 1-based): chrX:100,407,981, A>T on the plus strand (T>A on the coding strand, the complement: PCDH19 is on the minus strand). VCF-style: chrX-100407981-A-T. GRCh37 (hg19) VCF-style: chrX-99662979-A-T.
Other names: c.617T>A, p.Phe206Tyr (NM_001105243.2, NM_020766.3); short protein forms F206Y.
Identifiers: ClinVar variation 2737279 (VCV002737279.3), dbSNP rs746274631, ClinGen allele CA414009005.

ClinVar aggregate classification (germline): Uncertain significance (1 of 4 stars; one submission).

Conditions:
Developmental and epileptic encephalopathy, 9 (DEE9). Also called: Early infantile epileptic encephalopathy 9; EPILEPSY, FEMALE-RESTRICTED, WITH MENTAL RETARDATION; JUBERG-HELLMAN SYNDROME; PCDH19-Related X-Linked Female-Limited Epilepsy with Mental Retardation. Identifiers: Orphanet 101039, Orphanet 2076, MedGen C1848137, MONDO:0010246, OMIM 300088. Disease mechanism: loss of function.

Submission:

Labcorp Genetics (formerly Invitae), Labcorp
Classification: Uncertain significance for Developmental and epileptic encephalopathy, 9. Last evaluated: 2024-05-18. Review status: criteria provided, single submitter. Criteria: Invitae Variant Classification Sherloc (09022015). Collection method: clinical testing. Allele origin: germline.
Comment: This sequence change replaces phenylalanine, which is neutral and non-polar, with tyrosine, which is neutral and polar, at codon 206 of the PCDH19 protein (p.Phe206Tyr). This variant is not present in population databases (gnomAD no frequency). This missense change has been observed in individual(s) with PCDH19-related conditions (PMID: 21053371). Advanced modeling of protein sequence and biophysical properties (such as structural, functional, and spatial information, amino acid conservation, physicochemical variation, residue mobility, and thermodynamic stability) performed at Invitae indicates that this missense variant is not expected to disrupt PCDH19 protein function with a negative predictive value of 95%. In summary, the available evidence is currently insufficient to determine the role of this variant in disease. Therefore, it has been classified as a Variant of Uncertain Significance.

Literature cited by the submitters: PubMed 21053371.